The following is an entry in ClinVar:

NM_000642.3(AGL):c.2295_2296del (p.Gln765fs)

Gene: AGL (amylo-alpha-1,6-glucosidase and 4-alpha-glucanotransferase; plus strand). Cytogenetic location: 1p21.2.
Variant type: Deletion.
Coding change: c.2295_2296del on transcript NM_000642.3 (MANE Select); coding-DNA positions 2295 to 2296, 2 bases deleted (AA; older notation c.2295_2296delAA).
Protein change: p.Gln765fs; shifts the reading frame from glutamine 765.
Molecular consequence: frameshift variant.
Genome position (GRCh38, 1-based): chr1:99,881,678-99,881,679, AA deleted; deleting any 2 consecutive bases within chr1:99,881,677-99,881,679 gives the same sequence; the c. name uses the placement nearest the transcript's 3' end. VCF-style (leftmost placement, unchanged base first): chr1-99881676-CAA-C. GRCh37 (hg19) VCF-style: chr1-100347232-CAA-C.
Other names: c.2295_2296del, p.Gln765fs (NM_000028.3, NM_000643.3, NM_000644.3 and 2 more transcripts); c.2247_2248del, p.Gln749fs (NM_000646.3); c.2094_2095del, p.Gln698fs (NM_001425327.1); c.2091_2092del, p.Gln697fs (NM_001425328.1, NM_001425329.1); c.1917_1918del, p.Gln639fs (NM_001425332.1); short protein forms Q639fs, Q697fs, Q698fs, Q749fs, Q765fs.
Identifiers: ClinVar variation 5015439 (VCV005015439.1).

ClinVar aggregate classification (germline): Pathogenic (1 of 4 stars; one submission).

Conditions:
Glycogen storage disease type III (GSD3). Also called: FORBES DISEASE; Cori disease. Identifiers: Orphanet 366, MedGen C0017922, MONDO:0009291, OMIM 232400.

Submission:

Myriad Genetics, Inc.
Classification: Pathogenic for Glycogen storage disease type III. Last evaluated: 2026-01-19. Review status: criteria provided, single submitter. Criteria: Myriad Autosomal Dominant, Autosomal Recessive and X-Linked Classification Criteria (2023). Collection method: clinical testing. Allele origin: unknown.
Comment: NM_000642.2(AGL):c.2295_2296delAA(Q765Hfs*8) is expected to be pathogenic in the context of glycogen storage disease type III. This variant is predicted to lead to an abnormal or absent protein product due to the creation of a premature termination codon in AGL, a gene where loss-of-function variants are known to be pathogenic. Please note: this variant was assessed in the context of healthy population screening.